The following is an entry in ClinVar:

NM_178859.4(SLC51B):c.46G>A (p.Val16Ile)

Genes: RASL12 (RAS like family 12; minus strand), SLC51B (SLC51 subunit beta; plus strand). Cytogenetic location: 15q22.31.
Variant type: single nucleotide variant.
Coding change: c.46G>A on transcript NM_178859.4 (MANE Select); coding-DNA position 46, G replaced by A.
Protein change: p.Val16Ile; replaces valine 16 with isoleucine.
Molecular consequence: missense variant.
Genome position (GRCh38, 1-based): chr15:65,050,050, G>A. VCF-style: chr15-65050050-G-A. GRCh37 (hg19) VCF-style: chr15-65342388-G-A.
Other names: short protein forms V16I.
Identifiers: ClinVar variation 2869132 (VCV002869132.3), dbSNP rs775524383, ClinGen allele CA392870813.

ClinVar aggregate classification (germline): Uncertain significance (1 of 4 stars; one submission).

gnomAD v4.1: 9 of 1,551,868 alleles (0.00058%); highest among the groups gnomAD compares: Non-Finnish European, 0.0007%; no homozygotes.

Submission:

Labcorp Genetics (formerly Invitae), Labcorp
Classification: Uncertain significance. Last evaluated: 2026-02-01. Review status: criteria provided, single submitter. Criteria: Invitae Variant Classification Sherloc (09022015). Collection method: clinical testing. Allele origin: germline.
Comment: This sequence change replaces valine, which is neutral and non-polar, with isoleucine, which is neutral and non-polar, at codon 16 of the SLC51B protein (p.Val16Ile). This variant is not present in population databases (gnomAD no frequency). This variant has not been reported in the literature in individuals affected with SLC51B-related conditions. ClinVar contains an entry for this variant (Variation ID: 2869132). An algorithm developed to predict the effect of missense changes on protein structure and function (PolyPhen-2) suggests that this variant is likely to be disruptive. In summary, the available evidence is currently insufficient to determine the role of this variant in disease. Therefore, it has been classified as a Variant of Uncertain Significance.